The following is an entry in ClinVar:

ClinVar aggregate classification (germline): Likely benign (0 of 4 stars; one submission).

Conditions:
AKR1C4-related disorder. Also called: AKR1C4-related condition.

Allele frequency attached by ClinVar (database versions not stated): TOPMed 0.00002.
gnomAD v4.1: 1 of 1,601,510 alleles (0.000062%); highest among the groups gnomAD compares: African/African-American, 0.0013%; no homozygotes.

Submission:

PreventionGenetics, part of Exact Sciences
Classification: Likely benign for AKR1C4-related condition. Last evaluated: 2021-04-20. Review status: no assertion criteria provided. Collection method: clinical testing. Allele origin: germline.
Comment: This variant is classified as likely benign based on ACMG/AMP sequence variant interpretation guidelines (Richards et al. 2015 PMID: 25741868, with internal and published modifications).

NM_001818.5(AKR1C4):c.939C>T (p.Asp313=)

Gene: AKR1C4 (aldo-keto reductase family 1 member C4; plus strand). Cytogenetic location: 10p15.1.
Variant type: single nucleotide variant.
Coding change: c.939C>T on transcript NM_001818.5 (MANE Select); coding-DNA position 939, C replaced by T.
Protein change: p.Asp313=; no amino-acid change (aspartic acid 313 retained).
Molecular consequence: synonymous variant.
Genome position (GRCh38, 1-based): chr10:5,218,727, C>T. VCF-style: chr10-5218727-C-T. GRCh37 (hg19) VCF-style: chr10-5260690-C-T.
Identifiers: ClinVar variation 3031442 (VCV003031442.2), dbSNP rs1383503952, ClinGen allele CA467996743.
Genomic context (GRCh38, chr10:5,218,727, plus strand): 5'-TTTAATAGAGTCATTTCATCCATATTTATGTACTATCCTTTCTCTTTTCAGTCTTATGGA[C>T]CATCCTGATTATCCATTTTCAGATGAATATTAGCATAGAGGGTGTTGCACGACATCTAGC-3'
Protein context (NP_001809.4, residues 303-323): YRYVVMDFLM[Asp313=]HPDYPFSDEY